The following is an entry in ClinVar:

ClinVar aggregate classification (germline): Uncertain significance (1 of 4 stars; one submission).

Conditions:
Hereditary cancer-predisposing syndrome. Also called: Tumor predisposition; Hereditary neoplastic syndrome; Hereditary Cancer Syndrome; Neoplastic Syndromes, Hereditary. Identifiers: Orphanet 140162, MedGen C0027672, MeSH D009386, MONDO:0015356.

Submission:

Ambry Genetics
Classification: Uncertain significance for Hereditary cancer-predisposing syndrome. Last evaluated: 2023-09-18. Review status: criteria provided, single submitter. Criteria: Ambry Variant Classification Scheme 2023. Collection method: clinical testing. Allele origin: germline.
Comment: The p.A143G variant (also known as c.428C>G), located in coding exon 5 of the RAD51D gene, results from a C to G substitution at nucleotide position 428. The alanine at codon 143 is replaced by glycine, an amino acid with similar properties. This amino acid position is conserved. In addition, the in silico prediction for this alteration is inconclusive. Since supporting evidence is limited at this time, the clinical significance of this alteration remains unclear.

NM_002878.4(RAD51D):c.428C>G (p.Ala143Gly)

Genes: RAD51D (RAD51 paralog D; minus strand), RAD51L3-RFFL (RAD51L3-RFFL readthrough; minus strand). Cytogenetic location: 17q12.
Variant type: single nucleotide variant.
Coding change: c.428C>G on transcript NM_002878.4 (MANE Select); coding-DNA position 428, C replaced by G.
Protein change: p.Ala143Gly; replaces alanine 143 with glycine.
Molecular consequence: missense variant. On other transcripts: non-coding transcript variant (1), intron variant (1).
Genome position (GRCh38, 1-based): chr17:35,107,040, G>C on the plus strand (C>G on the coding strand, the complement: RAD51D is on the minus strand). VCF-style: chr17-35107040-G-C. GRCh37 (hg19) VCF-style: chr17-33434059-G-C.
Other names: c.488C>G, p.Ala163Gly (NM_001142571.2); c.145-559C>G (NM_133629.3); short protein forms A143G, A163G.
Identifiers: ClinVar variation 3222882 (VCV003222882.1), dbSNP rs752861378, ClinGen allele CA399089246.